The following is an entry in ClinVar:

NM_004752.4(GCM2):c.1399_1402del (p.Pro467fs)

Gene: GCM2 (glial cells missing transcription factor 2; minus strand). Cytogenetic location: 6p24.2.
Variant type: Deletion.
Coding change: c.1399_1402del on transcript NM_004752.4 (MANE Select); coding-DNA positions 1399 to 1402, 4 bases deleted (CCAG; older notation c.1399_1402delCCAG).
Protein change: p.Pro467fs; shifts the reading frame from proline 467.
Molecular consequence: frameshift variant.
Genome position (GRCh38, 1-based): chr6:10,874,114-10,874,117, CTGG deleted on the plus strand (CCAG on the coding strand, the reverse complement: GCM2 is on the minus strand); deleting any 4 consecutive bases within chr6:10,874,114-10,874,119 gives the same sequence; the c. name uses the placement nearest the transcript's 3' end. VCF-style (leftmost placement, unchanged base first): chr6-10874113-ACTGG-A. GRCh37 (hg19) VCF-style: chr6-10874346-ACTGG-A.
Other names: short protein forms P467fs.
Identifiers: ClinVar variation 2010336 (VCV002010336.4), dbSNP rs2532748096, ClinGen allele CA2580074217.

ClinVar aggregate classification (germline): Uncertain significance (1 of 4 stars; one submission).

Submission:

Labcorp Genetics (formerly Invitae), Labcorp
Classification: Uncertain significance. Last evaluated: 2022-06-24. Review status: criteria provided, single submitter. Criteria: Invitae Variant Classification Sherloc (09022015). Collection method: clinical testing. Allele origin: germline.
Comment: In summary, the available evidence is currently insufficient to determine the role of this variant in disease. Therefore, it has been classified as a Variant of Uncertain Significance. Experimental studies and prediction algorithms are not available or were not evaluated, and the functional significance of this variant is currently unknown. This variant has not been reported in the literature in individuals affected with GCM2-related conditions. This variant is not present in population databases (gnomAD no frequency). This sequence change results in a frameshift in the GCM2 gene (p.Pro467Phefs*63). While this is not anticipated to result in nonsense mediated decay, it is expected to disrupt the last 40 amino acid(s) of the GCM2 protein and extend the protein by 22 additional amino acid residues.